The following is an entry in ClinVar:

ClinVar aggregate classification (germline): Uncertain significance (1 of 4 stars; one submission).

Allele frequency attached by ClinVar (database versions not stated): 1000 Genomes Project 30x 0.00016; gnomAD 0.00003; 1000 Genomes Project 0.00020.
gnomAD v4.1: 14 of 1,606,046 alleles (0.00087%); highest among the groups gnomAD compares: East Asian, 0.016%; no homozygotes.

Submission:

Labcorp Genetics (formerly Invitae), Labcorp
Classification: Uncertain significance. Last evaluated: 2022-10-17. Review status: criteria provided, single submitter. Criteria: Invitae Variant Classification Sherloc (09022015). Collection method: clinical testing. Allele origin: germline.
Comment: In summary, the available evidence is currently insufficient to determine the role of this variant in disease. Therefore, it has been classified as a Variant of Uncertain Significance. Algorithms developed to predict the effect of missense changes on protein structure and function (SIFT, PolyPhen-2, Align-GVGD) all suggest that this variant is likely to be tolerated. This variant has not been reported in the literature in individuals affected with RUSC2-related conditions. This variant is present in population databases (rs201913303, gnomAD 0.03%). This sequence change replaces serine, which is neutral and polar, with threonine, which is neutral and polar, at codon 164 of the RUSC2 protein (p.Ser164Thr).

NM_014806.5(RUSC2):c.491G>C (p.Ser164Thr)

Gene: RUSC2 (RUN and SH3 domain containing 2; plus strand). Cytogenetic location: 9p13.3.
Variant type: single nucleotide variant.
Coding change: c.491G>C on transcript NM_014806.5 (MANE Select); coding-DNA position 491, G replaced by C.
Protein change: p.Ser164Thr; replaces serine 164 with threonine.
Molecular consequence: missense variant. On other transcripts: non-coding transcript variant (1), intron variant (1).
Genome position (GRCh38, 1-based): chr9:35,547,012, G>C. VCF-style: chr9-35547012-G-C. GRCh37 (hg19) VCF-style: chr9-35547009-G-C.
Other names: c.491G>C, p.Ser164Thr (NM_001135999.2); c.-620-8048G>C (NM_001330740.2); short protein forms S164T.
Identifiers: ClinVar variation 2053854 (VCV002053854.4), dbSNP rs201913303, ClinGen allele CA5043477.